The following is an entry in ClinVar:

ClinVar aggregate classification (germline): Likely pathogenic (1 of 4 stars; one submission).

Conditions:
Retinitis pigmentosa 12 (RP12). Also called: RP WITH OR WITHOUT PPRPE; RP WITH OR WITHOUT PRESERVED PARAARTERIOLE RETINAL PIGMENT EPITHELIUM; RETINITIS PIGMENTOSA WITH OR WITHOUT PARAARTERIOLAR PRESERVATION OF RETINAL PIGMENT EPITHELIUM. Identifiers: Orphanet 791, MedGen C1838647, MONDO:0010818, OMIM 600105.

Submission:

SingHealth Duke-NUS Institute of Precision Medicine
Classification: Likely pathogenic for Retinitis pigmentosa 12. Last evaluated: 2025-02-05. Review status: criteria provided, single submitter. Criteria: PRISM ACMG Classification Criteria. Collection method: clinical testing. Allele origin: germline. Affected: yes.
Comment: Variant is located in a mutational hotspot where >50% of variants are pathogenic (PM1). Variant is not found in gnomAD exomes or genomes (PM2). REVEL score is 0.944 (PP3_str)

NM_201253.3(CRB1):c.568T>C (p.Cys190Arg)

Gene: CRB1 (crumbs cell polarity complex component 1; plus strand). Cytogenetic location: 1q31.3.
Variant type: single nucleotide variant.
Coding change: c.568T>C on transcript NM_201253.3 (MANE Select); coding-DNA position 568, T replaced by C.
Protein change: p.Cys190Arg; replaces cysteine 190 with arginine.
Molecular consequence: missense variant. On other transcripts: non-coding transcript variant (2).
Genome position (GRCh38, 1-based): chr1:197,328,919, T>C. VCF-style: chr1-197328919-T-C. GRCh37 (hg19) VCF-style: chr1-197298049-T-C.
Other names: c.568T>C, p.Cys190Arg (NM_001193640.2, NM_001257966.2); c.361T>C, p.Cys121Arg (NM_001257965.2); short protein forms C121R, C190R.
Identifiers: ClinVar variation 3767352 (VCV003767352.1).
Genomic context (GRCh38, chr1:197,328,919, plus strand): 5'-TACTCCTGCTTCTGTGTCCCAGGATATCAAGGCAGACACTGCGACTTGGAAGTGGATGAA[T>C]GTGCTTCAGATCCCTGCAAGAACGAGGCTACATGCCTCAATGAAATAGGAAGATATACTT-3'
Protein context (NP_957705.1, residues 180-200): GRHCDLEVDE[Cys190Arg]ASDPCKNEAT